The following is an entry in ClinVar:

NM_003489.4(NRIP1):c.3412A>G (p.Ser1138Gly)

Gene: NRIP1 (nuclear receptor interacting protein 1; minus strand). Cytogenetic location: 21q11.2.
Variant type: single nucleotide variant.
Coding change: c.3412A>G on transcript NM_003489.4 (MANE Select); coding-DNA position 3412, A replaced by G.
Protein change: p.Ser1138Gly; replaces serine 1138 with glycine.
Molecular consequence: missense variant.
Genome position (GRCh38, 1-based): chr21:14,964,781, T>C on the plus strand (A>G on the coding strand, the complement: NRIP1 is on the minus strand). VCF-style: chr21-14964781-T-C. GRCh37 (hg19) VCF-style: chr21-16337102-T-C.
Other names: short protein forms S1138G.
Identifiers: ClinVar variation 769116 (VCV000769116.14), dbSNP rs140307100, ClinGen allele CA9980959.

ClinVar aggregate classification (germline): Benign/Likely benign. Review status: criteria provided, multiple submitters, no conflicts (2 of 4 stars). 4 submissions from 4 submitters: Benign (2); Likely benign (1). 1 of the submissions does not count toward it. Last evaluated 2025-10-29.

Conditions:
NRIP1-related disorder. Also called: NRIP1-related condition.
Inborn genetic diseases. Identifiers: MedGen C0950123, MeSH D030342.

Allele frequency attached by ClinVar (database versions not stated): 1000 Genomes Project 0.00200; gnomAD 0.00294 and 0.00320; TOPMed 0.00320; ESP Exome Variant Server 0.00338; 1000 Genomes Project 30x 0.00265.
gnomAD v4.1: 832 of 1,598,780 alleles (0.052%); highest among the groups gnomAD compares: African/African-American, 1%; 3 homozygotes.

Submissions (4):

Labcorp Genetics (formerly Invitae), Labcorp
Classification: Benign. Last evaluated: 2025-10-29. Review status: criteria provided, single submitter. Criteria: Invitae Variant Classification Sherloc (09022015). Collection method: clinical testing. Allele origin: germline.

Ambry Genetics
Classification: Likely benign for Inborn genetic diseases. Last evaluated: 2025-08-25. Review status: criteria provided, single submitter. Criteria: Ambry Variant Classification Scheme 2023. Collection method: clinical testing. Allele origin: germline.

Breakthrough Genomics
Classification: Benign. Review status: criteria provided, single submitter. Criteria: ACMG Guidelines, 2015. Collection method: not provided. Allele origin: germline. Inheritance: Autosomal dominant inheritance. Affected: yes.

PreventionGenetics, part of Exact Sciences
Classification: Likely benign for NRIP1-related condition. Last evaluated: 2021-01-11. Review status: no assertion criteria provided. Collection method: clinical testing. Allele origin: germline. Not counted in ClinVar's aggregate classification.
Comment: This variant is classified as likely benign based on ACMG/AMP sequence variant interpretation guidelines (Richards et al. 2015 PMID: 25741868, with internal and published modifications).